The following is an entry in ClinVar:

ClinVar aggregate classification (germline): Benign/Likely benign. Review status: criteria provided, multiple submitters, no conflicts (2 of 4 stars). 6 submissions from 5 submitters: Benign (2); Likely benign (4). Last evaluated 2026-02-02.

Conditions:
Kidney disorder. Also called: Kidney disease; Kidney Diseases; Nephropathy; renal disorder; renal disease. Identifiers: MedGen C0022658, MONDO:0005240, HP:0000112.
Nephronophthisis. Also called: Juvenile Nephronophthisis. Identifiers: Orphanet 655, MedGen C0687120, MONDO:0019005, HP:0000090.
Senior-Loken syndrome 4 (SLSN4). Identifiers: Orphanet 3156, MedGen C1846979, MONDO:0011756, OMIM 606996.
Nephronophthisis 4 (NPHP4). Also called: NEPHRONOPHTHISIS 4, JUVENILE. Identifiers: Orphanet 655, MedGen C1847013, MONDO:0011752, OMIM 606966.

Allele frequency attached by ClinVar (database versions not stated): gnomAD exomes 0.00264; ExAC 0.00324; gnomAD 0.01035 and 0.01099; ESP Exome Variant Server 0.01120; TOPMed 0.01120; 1000 Genomes Project 0.01178; 1000 Genomes Project 30x 0.01312.
gnomAD v4.1: 3,085 of 1,608,826 alleles (0.19%); highest among the groups gnomAD compares: African/African-American, 3.6%; 59 homozygotes.

Submissions (6):

Labcorp Genetics (formerly Invitae), Labcorp
Classification: Benign for Nephronophthisis. Last evaluated: 2026-02-02. Review status: criteria provided, single submitter. Criteria: Invitae Variant Classification Sherloc (09022015). Collection method: clinical testing. Allele origin: germline.

Mayo Clinic Laboratories, Mayo Clinic
Classification: Benign. Last evaluated: 2023-02-09. Review status: criteria provided, single submitter. Criteria: ACMG Guidelines, 2015. Collection method: clinical testing. Allele origin: germline. Observed: 11 variant alleles.
Comment: BA1

Genome Diagnostics Laboratory, The Hospital for Sick Children
Classification: Likely benign for Kidney disorder. Last evaluated: 2018-06-01. Review status: criteria provided, single submitter. Criteria: ACMG Guidelines, 2015. Collection method: clinical testing. Allele origin: germline.

Illumina Laboratory Services, Illumina
Classification: Likely benign for Nephronophthisis 4. Last evaluated: 2017-04-28. Review status: criteria provided, single submitter. Criteria: ICSL Variant Classification Criteria 13 December 2019. Collection method: clinical testing. Allele origin: germline.
Comment: This variant was observed as part of a predisposition screen in an ostensibly healthy population. A literature search was performed for the gene, cDNA change, and amino acid change (where applicable). Publications were found based on this search. The evidence from the literature, in combination with allele frequency data from public databases where available, was sufficient to determine this variant is unlikely to cause disease. Therefore, this variant is classified as likely benign.

Illumina Laboratory Services, Illumina
Classification: Likely benign for Senior-Loken syndrome 4. Last evaluated: 2017-04-28. Review status: criteria provided, single submitter. Criteria: ICSL Variant Classification Criteria 13 December 2019. Collection method: clinical testing. Allele origin: germline.
Comment: This variant was observed as part of a predisposition screen in an ostensibly healthy population. A literature search was performed for the gene, cDNA change, and amino acid change (where applicable). No publications were found based on this search. Allele frequency data from public databases allowed determination this variant is unlikely to cause disease. Therefore, this variant is classified as likely benign.

Breakthrough Genomics
Classification: Likely benign. Review status: criteria provided, single submitter. Criteria: ACMG Guidelines, 2015. Collection method: not provided. Allele origin: germline. Inheritance: Autosomal recessive inheritance. Affected: yes.

Literature cited by the submitters: PubMed 22773737 (cited by Mayo Clinic Laboratories, Mayo Clinic and Illumina Laboratory Services, Illumina).

NM_015102.5(NPHP4):c.2876G>A (p.Arg959Gln)

Gene: NPHP4 (nephrocystin 4; minus strand). Cytogenetic location: 1p36.31.
Variant type: single nucleotide variant.
Coding change: c.2876G>A on transcript NM_015102.5 (MANE Select); coding-DNA position 2876, G replaced by A.
Protein change: p.Arg959Gln; replaces arginine 959 with glutamine.
Molecular consequence: missense variant. On other transcripts: non-coding transcript variant (1).
Genome position (GRCh38, 1-based): chr1:5,875,042, C>T on the plus strand (G>A on the coding strand, the complement: NPHP4 is on the minus strand). VCF-style: chr1-5875042-C-T. GRCh37 (hg19) VCF-style: chr1-5935102-C-T.
Other names: c.1337G>A, p.Arg446Gln (NM_001291593.2); c.1340G>A, p.Arg447Gln (NM_001291594.2); short protein forms R959Q, R446Q, R447Q.
Identifiers: ClinVar variation 240969 (VCV000240969.20), dbSNP rs12084067, ClinGen allele CA553890.